The following is an entry in ClinVar:

ClinVar aggregate classification (germline): Uncertain significance (1 of 4 stars; one submission).

Conditions:
Autosomal dominant epilepsy with auditory features. Identifiers: Orphanet 101046, MedGen C1838062, MONDO:0010898.

Allele frequency attached by ClinVar (database versions not stated): gnomAD exomes below 0.00001.
gnomAD v4.1: 1 of 1,613,984 alleles (0.000062%); highest among the groups gnomAD compares: Non-Finnish European, 0.000085%; no homozygotes.

Submission:

Labcorp Genetics (formerly Invitae), Labcorp
Classification: Uncertain significance for Autosomal dominant epilepsy with auditory features. Last evaluated: 2025-01-14. Review status: criteria provided, single submitter. Criteria: Invitae Variant Classification Sherloc (09022015). Collection method: clinical testing. Allele origin: germline.
Comment: This sequence change replaces glycine, which is neutral and non-polar, with serine, which is neutral and polar, at codon 305 of the LGI1 protein (p.Gly305Ser). This variant is not present in population databases (gnomAD no frequency). This variant has not been reported in the literature in individuals affected with LGI1-related conditions. ClinVar contains an entry for this variant (Variation ID: 1967087). Invitae Evidence Modeling of protein sequence and biophysical properties (such as structural, functional, and spatial information, amino acid conservation, physicochemical variation, residue mobility, and thermodynamic stability) has been performed for this missense variant. However, the output from this modeling did not meet the statistical confidence thresholds required to predict the impact of this variant on LGI1 protein function. In summary, the available evidence is currently insufficient to determine the role of this variant in disease. Therefore, it has been classified as a Variant of Uncertain Significance.

NM_005097.4(LGI1):c.913G>A (p.Gly305Ser)

Gene: LGI1 (leucine rich glioma inactivated 1; plus strand). Cytogenetic location: 10q23.33.
Variant type: single nucleotide variant.
Coding change: c.913G>A on transcript NM_005097.4 (MANE Select); coding-DNA position 913, G replaced by A.
Protein change: p.Gly305Ser; replaces glycine 305 with serine.
Molecular consequence: missense variant. On other transcripts: non-coding transcript variant (1), intron variant (1).
Genome position (GRCh38, 1-based): chr10:93,797,042, G>A. VCF-style: chr10-93797042-G-A. GRCh37 (hg19) VCF-style: chr10-95556799-G-A.
Other names: c.769G>A, p.Gly257Ser (NM_001308276.2); c.839-707G>A (NM_001308275.2); short protein forms G305S, G257S.
Identifiers: ClinVar variation 1967087 (VCV001967087.5), dbSNP rs2492917853, ClinGen allele CA377626421.